The following is an entry in ClinVar:

ClinVar aggregate classification (germline): Uncertain significance. Review status: criteria provided, multiple submitters, no conflicts (2 of 4 stars). 2 submissions from 2 submitters: Uncertain significance (2). Last evaluated 2022-06-24.

Conditions:
Spermatogenic failure 18. Identifiers: MedGen C4539783, MONDO:0054615, OMIM 617576.
Ciliary dyskinesia, primary, 37 (CILD37). Also called: CILIARY DYSKINESIA, PRIMARY, 37, WITH OR WITHOUT SITUS INVERSUS. Identifiers: MedGen C4539798, MONDO:0033204, OMIM 617577.

Allele frequency attached by ClinVar (database versions not stated): ESP Exome Variant Server 0.00008; TOPMed 0.00008; 1000 Genomes Project 30x 0.00016; 1000 Genomes Project 0.00020.
gnomAD v4.1: 131 of 1,613,238 alleles (0.0081%); highest among the groups gnomAD compares: Non-Finnish European, 0.01%; no homozygotes.

Submissions (2):

Ambry Genetics
Classification: Uncertain significance. Last evaluated: 2022-06-24. Review status: criteria provided, single submitter. Criteria: Ambry Variant Classification Scheme 2023. Collection method: clinical testing. Allele origin: germline.

Labcorp Genetics (formerly Invitae), Labcorp
Classification: Uncertain significance for Ciliary dyskinesia, primary, 37; Spermatogenic failure 18. Last evaluated: 2021-09-01. Review status: criteria provided, single submitter. Criteria: Invitae Variant Classification Sherloc (09022015). Collection method: clinical testing. Allele origin: germline.
Comment: This sequence change replaces alanine with threonine at codon 2881 of the DNAH1 protein (p.Ala2881Thr). The alanine residue is highly conserved and there is a small physicochemical difference between alanine and threonine. This variant is present in population databases (rs370257194, ExAC 0.01%). This variant has not been reported in the literature in individuals affected with DNAH1-related conditions. Algorithms developed to predict the effect of missense changes on protein structure and function are either unavailable or do not agree on the potential impact of this missense change (SIFT: "Deleterious"; PolyPhen-2: "Probably Damaging"; Align-GVGD: "Class C0"). In summary, the available evidence is currently insufficient to determine the role of this variant in disease. Therefore, it has been classified as a Variant of Uncertain Significance.

NM_015512.5(DNAH1):c.8641G>A (p.Ala2881Thr)

Gene: DNAH1 (dynein axonemal heavy chain 1; plus strand). Cytogenetic location: 3p21.1.
Variant type: single nucleotide variant.
Coding change: c.8641G>A on transcript NM_015512.5 (MANE Select); coding-DNA position 8641, G replaced by A.
Protein change: p.Ala2881Thr; replaces alanine 2881 with threonine.
Molecular consequence: missense variant.
Genome position (GRCh38, 1-based): chr3:52,386,175, G>A. VCF-style: chr3-52386175-G-A. GRCh37 (hg19) VCF-style: chr3-52420191-G-A.
Other names: short protein forms A2881T.
Identifiers: ClinVar variation 544629 (VCV000544629.4), dbSNP rs370257194, ClinGen allele CA2435281.